The following is an entry in ClinVar:

NM_002972.4(SBF1):c.3228dup (p.Ser1077fs)

Gene: SBF1 (SET binding factor 1; minus strand). Cytogenetic location: 22q13.33.
Variant type: Duplication.
Coding change: c.3228dup on transcript NM_002972.4 (MANE Select); coding-DNA position 3228, one base duplicated (C; older notation c.3228dupC).
Protein change: p.Ser1077fs; shifts the reading frame from serine 1077.
Molecular consequence: frameshift variant.
Genome position (GRCh38, 1-based): chr22:50,460,327, G duplicated on the plus strand (C on the coding strand, the reverse complement: SBF1 is on the minus strand); the first of 7 consecutive G bases (chr22:50,460,327-50,460,333); duplicating any one gives the same sequence. VCF-style (leftmost placement, unchanged base first): chr22-50460326-T-TG. GRCh37 (hg19) VCF-style: chr22-50898755-T-TG.
Other names: c.3231dup, p.Ser1078fs (NM_001365819.1); c.3225dup, p.Ser1078Glnfs (NM_001410794.1); c.3222dup, p.Ser1077Glnfs (NM_001410795.1, NM_197971.1); short protein forms S1078fs, S1077fs.
Identifiers: ClinVar variation 1929321 (VCV001929321.5), dbSNP rs771002611, ClinGen allele CA10316817.

ClinVar aggregate classification (germline): Pathogenic (1 of 4 stars; one submission).

Submission:

Labcorp Genetics (formerly Invitae), Labcorp
Classification: Pathogenic. Last evaluated: 2022-06-27. Review status: criteria provided, single submitter. Criteria: Invitae Variant Classification Sherloc (09022015). Collection method: clinical testing. Allele origin: germline.
Comment: This variant has not been reported in the literature in individuals affected with SBF1-related conditions. For these reasons, this variant has been classified as Pathogenic. Algorithms developed to predict the effect of sequence changes on RNA splicing suggest that this variant may create or strengthen a splice site. The frequency data for this variant in the population databases is considered unreliable, as metrics indicate poor data quality at this position in the gnomAD database. This sequence change creates a premature translational stop signal (p.Ser1077Glnfs*11) in the SBF1 gene. It is expected to result in an absent or disrupted protein product. Loss-of-function variants in SBF1 are known to be pathogenic (PMID: 28005197, 28902413).

Literature cited by the submitters: PubMed 28005197; PubMed 28902413.